The following is an entry in ClinVar:

NM_006231.4(POLE):c.802-2dup

Gene: POLE (DNA polymerase epsilon, catalytic subunit; minus strand). Cytogenetic location: 12q24.33.
Variant type: Duplication.
Coding change: c.802-2dup on transcript NM_006231.4 (MANE Select); the canonical splice acceptor site of the intron before coding-DNA position 802, one base duplicated (A; older notation c.802-2dupA).
Molecular consequence: splice acceptor variant.
Genome position (GRCh38, 1-based): chr12:132,676,655, T duplicated on the plus strand (A on the coding strand, the reverse complement: POLE is on the minus strand). VCF-style (leftmost placement, unchanged base first): chr12-132676654-C-CT. GRCh37 (hg19) VCF-style: chr12-133253240-C-CT.
Other names: c.802-2dupA (NM_006231.2).
Identifiers: ClinVar variation 3644264 (VCV003644264.3).

ClinVar aggregate classification (germline): Uncertain significance. Review status: criteria provided, multiple submitters, no conflicts (2 of 4 stars). 2 submissions from 2 submitters: Uncertain significance (2). Last evaluated 2025-06-17.

Conditions:
Hereditary cancer-predisposing syndrome. Also called: Neoplastic Syndromes, Hereditary; Tumor predisposition; Hereditary neoplastic syndrome; Hereditary Cancer Syndrome. Identifiers: Orphanet 140162, MedGen C0027672, MeSH D009386, MONDO:0015356.

Submissions (2):

Ambry Genetics
Classification: Uncertain significance for Hereditary cancer-predisposing syndrome. Last evaluated: 2025-06-17. Review status: criteria provided, single submitter. Criteria: Ambry Variant Classification Scheme 2023. Collection method: clinical testing. Allele origin: germline.
Comment: The c.802-2dupA intronic variant is located 2 nucleotides before coding exon 9 of the POLE gene. This variant results from a duplication of one nucleotide at position c.802-2. This nucleotide position is highly conserved in available vertebrate species. In silico splice site analysis predicts that this alteration will not have any significant effect on splicing. Based on the available evidence, the clinical significance of this variant remains unclear.

Labcorp Genetics (formerly Invitae), Labcorp
Classification: Uncertain significance. Last evaluated: 2024-04-29. Review status: criteria provided, single submitter. Criteria: Invitae Variant Classification Sherloc (09022015). Collection method: clinical testing. Allele origin: germline.
Comment: This sequence change falls in intron 8 of the POLE gene. It does not directly change the encoded amino acid sequence of the POLE protein. It affects a nucleotide within the consensus splice site. This variant is not present in population databases (gnomAD no frequency). This variant has not been reported in the literature in individuals affected with POLE-related conditions. Variants that disrupt the consensus splice site are a relatively common cause of aberrant splicing (PMID: 17576681, 9536098). In summary, the available evidence is currently insufficient to determine the role of this variant in disease. Therefore, it has been classified as a Variant of Uncertain Significance.

Literature cited by the submitters: PubMed 17576681 (cited by Labcorp Genetics (formerly Invitae), Labcorp); PubMed 9536098 (cited by Labcorp Genetics (formerly Invitae), Labcorp).